The following is an entry in ClinVar:

ClinVar aggregate classification (germline): Uncertain significance (1 of 4 stars; one submission).

Submission:

GeneDx
Classification: Uncertain significance. Last evaluated: 2026-02-28. Review status: criteria provided, single submitter. Criteria: GeneDx Variant Classification Process June 2021. Collection method: clinical testing. Allele origin: germline.
Comment: Not observed at significant frequency in large population cohorts (gnomAD); In silico analysis supports that this missense variant has a deleterious effect on protein structure/function; Has not been previously published as pathogenic or benign to our knowledge

NM_001205293.3(CACNA1E):c.494T>A (p.Phe165Tyr)

Gene: CACNA1E (calcium voltage-gated channel subunit alpha1 E; plus strand). Cytogenetic location: 1q25.3.
Variant type: single nucleotide variant.
Coding change: c.494T>A on transcript NM_001205293.3 (MANE Select); coding-DNA position 494, T replaced by A.
Protein change: p.Phe165Tyr; replaces phenylalanine 165 with tyrosine.
Molecular consequence: missense variant.
Genome position (GRCh38, 1-based): chr1:181,511,492, T>A. VCF-style: chr1-181511492-T-A. GRCh37 (hg19) VCF-style: chr1-181480628-T-A.
Other names: c.494T>A, p.Phe165Tyr (NM_000721.4, NM_001205294.2); short protein forms F165Y.
Identifiers: ClinVar variation 5008253 (VCV005008253.1).
Genomic context (GRCh38, chr1:181,511,492, plus strand): 5'-CCCTGGGGTTCATCTTCCATAAGGGCTCTTACCTCCGCAATGGCTGGAATGTCATGGACT[T>A]CATCGTGGTCCTCAGTGGGTAAGTCCATTTTCTCTCTCTGTCTGTGTGTGTGTATGAAGG-3'
Protein context (NP_001192222.1, residues 155-175): YLRNGWNVMD[Phe165Tyr]IVVLSGILAT